The following is an entry in ClinVar:

ClinVar aggregate classification (germline): Uncertain significance (1 of 4 stars; one submission).

Conditions:
Kabuki syndrome. Also called: NIIKAWA-KUROKI SYNDROME; Kabuki make-up syndrome. Identifiers: Orphanet 2322, MedGen C0796004, MONDO:0016512.

Submission:

Labcorp Genetics (formerly Invitae), Labcorp
Classification: Uncertain significance for Kabuki syndrome. Last evaluated: 2024-12-06. Review status: criteria provided, single submitter. Criteria: Invitae Variant Classification Sherloc (09022015). Collection method: clinical testing. Allele origin: germline.
Comment: This sequence change replaces proline, which is neutral and non-polar, with leucine, which is neutral and non-polar, at codon 984 of the KMT2D protein (p.Pro984Leu). This variant is not present in population databases (gnomAD no frequency). This variant has not been reported in the literature in individuals affected with KMT2D-related conditions. ClinVar contains an entry for this variant (Variation ID: 2791036). Invitae Evidence Modeling of protein sequence and biophysical properties (such as structural, functional, and spatial information, amino acid conservation, physicochemical variation, residue mobility, and thermodynamic stability) indicates that this missense variant is not expected to disrupt KMT2D protein function with a negative predictive value of 95%. In summary, the available evidence is currently insufficient to determine the role of this variant in disease. Therefore, it has been classified as a Variant of Uncertain Significance.

NM_003482.4(KMT2D):c.2951C>T (p.Pro984Leu)

Gene: KMT2D (lysine methyltransferase 2D; minus strand). Cytogenetic location: 12q13.12.
Variant type: single nucleotide variant.
Coding change: c.2951C>T on transcript NM_003482.4 (MANE Select); coding-DNA position 2951, C replaced by T.
Protein change: p.Pro984Leu; replaces proline 984 with leucine.
Molecular consequence: missense variant.
Genome position (GRCh38, 1-based): chr12:49,050,637, G>A on the plus strand (C>T on the coding strand, the complement: KMT2D is on the minus strand). VCF-style: chr12-49050637-G-A. GRCh37 (hg19) VCF-style: chr12-49444420-G-A.
Other names: short protein forms P984L.
Identifiers: ClinVar variation 2791036 (VCV002791036.3), dbSNP rs2120654372, ClinGen allele CA384660339.